The following is an entry in ClinVar:

ClinVar aggregate classification (germline): Uncertain significance (1 of 4 stars; one submission).

gnomAD v4.1: 3 of 1,594,520 alleles (0.00019%); highest among the groups gnomAD compares: East Asian, 0.0022%; no homozygotes.

Submission:

Ambry Genetics
Classification: Uncertain significance. Last evaluated: 2025-09-10. Review status: criteria provided, single submitter. Criteria: Ambry Variant Classification Scheme 2023. Collection method: clinical testing. Allele origin: germline.
Comment: The p.P1007R variant (also known as c.3020C>G), located in coding exon 11 of the WNK2 gene, results from a C to G substitution at nucleotide position 3020. The proline at codon 1007 is replaced by arginine, an amino acid with dissimilar properties. This amino acid position is conserved. In addition, this alteration is predicted to be tolerated by in silico analysis. Based on the available evidence, the clinical significance of this variant remains unclear.

NM_006648.4(WNK2):c.3020C>G (p.Pro1007Arg)

Gene: WNK2 (WNK lysine deficient protein kinase 2; plus strand). Cytogenetic location: 9q22.31.
Variant type: single nucleotide variant.
Coding change: c.3020C>G on transcript NM_006648.4 (MANE Select); coding-DNA position 3020, C replaced by G.
Protein change: p.Pro1007Arg; replaces proline 1007 with arginine.
Molecular consequence: missense variant.
Genome position (GRCh38, 1-based): chr9:93,259,568, C>G. VCF-style: chr9-93259568-C-G. GRCh37 (hg19) VCF-style: chr9-96021850-C-G.
Other names: c.3020C>G, p.Pro1007Arg (NM_001282394.3); short protein forms P1007R.
Identifiers: ClinVar variation 4201886 (VCV004201886.1).